The following is an entry in ClinVar:

NM_138773.4(SLC25A46):c.247A>G (p.Ser83Gly)

Gene: SLC25A46 (solute carrier family 25 member 46; plus strand). Cytogenetic location: 5q22.1.
Variant type: single nucleotide variant.
Coding change: c.247A>G on transcript NM_138773.4 (MANE Select); coding-DNA position 247, A replaced by G.
Protein change: p.Ser83Gly; replaces serine 83 with glycine.
Molecular consequence: missense variant. On other transcripts: non-coding transcript variant (1), intron variant (1).
Genome position (GRCh38, 1-based): chr5:110,739,366, A>G. VCF-style: chr5-110739366-A-G. GRCh37 (hg19) VCF-style: chr5-110075067-A-G.
Other names: c.247A>G, p.Ser83Gly (NM_001303249.3); c.10+1119A>G (NM_001303250.3); c.247A>G (NM_138773.1); short protein forms S83G.
Identifiers: ClinVar variation 661561 (VCV000661561.8), dbSNP rs892374338, ClinGen allele CA125342548.
Genomic context (GRCh38, chr5:110,739,366, plus strand): 5'-CCCTACGGCGTGCCCACCACCTCCACCCCGTACGAAGGCCCCACGGAGGAACCCTTTTCC[A>G]GTGGCGGCGGCGGCAGTGTGCAGGGGCAGAGCAGTGGTGAGAAGCATGGGGACCGACACA-3'
Protein context (NP_620128.1, residues 73-93): YEGPTEEPFS[Ser83Gly]GGGGSVQGQS

ClinVar aggregate classification (germline): Conflicting classifications of pathogenicity. Review status: criteria provided, conflicting classifications (1 of 4 stars). 2 submissions from 2 submitters: Uncertain significance (1); Likely benign (1). Last evaluated 2025-06-30.

Conditions:
Inborn genetic diseases. Identifiers: MedGen C0950123, MeSH D030342.
Neuropathy, hereditary motor and sensory, type 6B (HMSN6B). Also called: Neuropathy, hereditary motor and sensory, type VIB; HMSN VIB; CHARCOT-MARIE-TOOTH DISEASE, TYPE 6B; NEUROPATHY, HEREDITARY MOTOR AND SENSORY, TYPE VIB, WITH OPTIC ATROPHY. Identifiers: MedGen C4225302, MONDO:0014671, OMIM 616505.

Allele frequency attached by ClinVar (database versions not stated): TOPMed 0.00002.
gnomAD v4.1: 4 of 1,554,996 alleles (0.00026%); highest among the groups gnomAD compares: African/African-American, 0.0014%; no homozygotes.

Submissions (2):

Ambry Genetics
Classification: Likely benign for Inborn genetic diseases. Last evaluated: 2025-06-30. Review status: criteria provided, single submitter. Criteria: Ambry Variant Classification Scheme 2023. Collection method: clinical testing. Allele origin: germline.

Labcorp Genetics (formerly Invitae), Labcorp
Classification: Uncertain significance for Neuropathy, hereditary motor and sensory, type 6B. Last evaluated: 2018-10-07. Review status: criteria provided, single submitter. Criteria: Invitae Variant Classification Sherloc (09022015). Collection method: clinical testing. Allele origin: germline.
Comment: In summary, the available evidence is currently insufficient to determine the role of this variant in disease. Therefore, it has been classified as a Variant of Uncertain Significance. Algorithms developed to predict the effect of missense changes on protein structure and function output the following: SIFT: "Tolerated"; PolyPhen-2: "Benign"; Align-GVGD: "Class C0". The glycine amino acid residue is found in multiple mammalian species, suggesting that this missense change does not adversely affect protein function. These predictions have not been confirmed by published functional studies and their clinical significance is uncertain. This variant has not been reported in the literature in individuals with SLC25A46-related disease. This variant is not present in population databases (ExAC no frequency). This sequence change replaces serine with glycine at codon 83 of the SLC25A46 protein (p.Ser83Gly). The serine residue is weakly conserved and there is a small physicochemical difference between serine and glycine.